The following is an entry in ClinVar:

ClinVar aggregate classification (germline): Uncertain significance (1 of 4 stars; one submission).

Conditions:
Supravalvar aortic stenosis (SVAS). Also called: Supravalvar aortic stenosis, Eisenberg type. Identifiers: Orphanet 3193, MedGen C0003499, MONDO:0008504, OMIM 185500, HP:0004381.

gnomAD v4.1: 2 of 1,613,916 alleles (0.00012%); highest among the groups gnomAD compares: Non-Finnish European, 0.000085%; no homozygotes.

Submission:

Labcorp Genetics (formerly Invitae), Labcorp
Classification: Uncertain significance for Supravalvar aortic stenosis. Last evaluated: 2024-12-14. Review status: criteria provided, single submitter. Criteria: Invitae Variant Classification Sherloc (09022015). Collection method: clinical testing. Allele origin: germline.
Comment: This sequence change replaces lysine, which is basic and polar, with asparagine, which is neutral and polar, at codon 265 of the ELN protein (p.Lys265Asn). This variant is present in population databases (rs782792414, gnomAD 0.0009%). This variant has not been reported in the literature in individuals affected with ELN-related conditions. Invitae Evidence Modeling of protein sequence and biophysical properties (such as structural, functional, and spatial information, amino acid conservation, physicochemical variation, residue mobility, and thermodynamic stability) indicates that this missense variant is not expected to disrupt ELN protein function with a negative predictive value of 80%. In summary, the available evidence is currently insufficient to determine the role of this variant in disease. Therefore, it has been classified as a Variant of Uncertain Significance.

NM_000501.4(ELN):c.795G>T (p.Lys265Asn)

Gene: ELN (elastin; plus strand). Cytogenetic location: 7q11.23.
Variant type: single nucleotide variant.
Coding change: c.795G>T on transcript NM_000501.4 (MANE Select); coding-DNA position 795, G replaced by T.
Protein change: p.Lys265Asn; replaces lysine 265 with asparagine.
Molecular consequence: missense variant.
Genome position (GRCh38, 1-based): chr7:74,048,552, G>T. VCF-style: chr7-74048552-G-T. GRCh37 (hg19) VCF-style: chr7-73462882-G-T.
Other names: c.765G>T, p.Lys255Asn (NM_001081752.3, NM_001278917.2); c.810G>T, p.Lys270Asn (NM_001081753.3, NM_001081754.3); c.795G>T, p.Lys265Asn (NM_001081755.3, NM_001278912.2, NM_001278915.2 and 1 more transcripts); c.687G>T, p.Lys229Asn (NM_001278913.2); c.780G>T, p.Lys260Asn (NM_001278914.2); c.753G>T, p.Lys251Asn (NM_001278916.2); c.663G>T, p.Lys221Asn (NM_001278918.2); short protein forms K221N, K229N, K251N, K255N, K260N, K265N, K270N.
Identifiers: ClinVar variation 3626523 (VCV003626523.2).